The following is an entry in ClinVar:

ClinVar aggregate classification (germline): Benign/Likely benign. Review status: criteria provided, multiple submitters, no conflicts (2 of 4 stars). 10 submissions from 10 submitters: Benign (6); Likely benign (3). 1 of the submissions does not count toward it. Last evaluated 2025-12-30.

Conditions:
Tuberous sclerosis 2 (TSC2). Identifiers: Orphanet 805, MedGen C1860707, MONDO:0013199, OMIM 613254.
TSC2-related disorder. Also called: TSC2-related condition; TSC2-Related Disorders.
Lymphangiomyomatosis (LAM). Also called: Lymphangioleiomyomatosis, somatic; Lymphangioleiomyomatosis. Identifiers: Orphanet 538, MedGen C0751674, MONDO:0011705, OMIM 606690.
Isolated focal cortical dysplasia type II (FCORD2). Also called: CORTICAL DYSPLASIA OF TAYLOR; Focal cortical dysplasia type II. Identifiers: Orphanet 268994, MedGen C1846385, MONDO:0011818, OMIM 607341, HP:0032051.
Tuberous sclerosis syndrome (TSC). Also called: Tuberous sclerosis; Tuberous Sclerosis Complex. Identifiers: Orphanet 805, MedGen C0041341, MONDO:0001734.

Allele frequency attached by ClinVar (database versions not stated): gnomAD 0.00002 and 0.00004; TOPMed 0.00003; ESP Exome Variant Server 0.00008.
gnomAD v4.1: 41 of 1,612,920 alleles (0.0025%); highest among the groups gnomAD compares: East Asian, 0.0045%; 1 homozygote.

Submissions (10):

Labcorp Genetics (formerly Invitae), Labcorp
Classification: Benign for Tuberous sclerosis 2. Last evaluated: 2025-12-30. Review status: criteria provided, single submitter. Criteria: Invitae Variant Classification Sherloc (09022015). Collection method: clinical testing. Allele origin: germline.

Myriad Genetics, Inc.
Classification: Benign for Tuberous sclerosis 2. Last evaluated: 2025-06-06. Review status: criteria provided, single submitter. Criteria: Myriad Autosomal Dominant, Autosomal Recessive and X-Linked Classification Criteria (2023). Collection method: clinical testing. Allele origin: unknown.
Comment: This variant is considered benign. This variant is intronic and is not expected to impact mRNA splicing. This variant has been observed at a population frequency that is significantly greater than expected given the associated disease prevalence and penetrance.

KCCC/NGS Laboratory, Kuwait Cancer Control Center
Classification: Benign for Tuberous sclerosis 2. Last evaluated: 2023-07-07. Review status: criteria provided, single submitter. Criteria: ACMG Guidelines, 2015. Collection method: clinical testing. Allele origin: germline. Affected: yes.

Color Diagnostics, LLC DBA Color Health
Classification: Likely benign for Tuberous sclerosis syndrome. Last evaluated: 2023-01-11. Review status: criteria provided, single submitter. Criteria: ACMG Guidelines, 2015. Collection method: clinical testing. Allele origin: germline.

Fulgent Genetics
Classification: Likely benign for Lymphangiomyomatosis; Isolated focal cortical dysplasia type II; Tuberous sclerosis 2. Last evaluated: 2022-04-25. Review status: criteria provided, single submitter. Criteria: ACMG Guidelines, 2015. Collection method: clinical testing. Allele origin: unknown.

Genome-Nilou Lab
Classification: Benign for Tuberous sclerosis 2. Last evaluated: 2021-11-07. Review status: criteria provided, single submitter. Criteria: ACMG Guidelines, 2015. Collection method: clinical testing. Allele origin: germline. Affected: no.

Blueprint Genetics
Classification: Likely benign. Last evaluated: 2019-08-01. Review status: criteria provided, single submitter. Criteria: ACMG Guidelines, 2015. Collection method: clinical testing. Allele origin: germline.

GeneDx
Classification: Benign. Last evaluated: 2015-03-15. Review status: criteria provided, single submitter. Criteria: GeneDx Variant Classification (06012015). Collection method: clinical testing. Allele origin: germline. Affected: yes.
Comment: This variant is considered likely benign or benign based on one or more of the following criteria: it is a conservative change, it occurs at a poorly conserved position in the protein, it is predicted to be benign by multiple in silico algorithms, and/or has population frequency not consistent with disease.

Breakthrough Genomics
Classification: Benign. Review status: criteria provided, single submitter. Criteria: ACMG Guidelines, 2015. Collection method: not provided. Allele origin: germline. Inheritance: Autosomal dominant inheritance. Affected: yes.

PreventionGenetics, part of Exact Sciences
Classification: Likely benign for TSC2-related condition. Last evaluated: 2023-08-18. Review status: no assertion criteria provided. Collection method: clinical testing. Allele origin: germline. Not counted in ClinVar's aggregate classification.
Comment: This variant is classified as likely benign based on ACMG/AMP sequence variant interpretation guidelines (Richards et al. 2015 PMID: 25741868, with internal and published modifications).

NM_000548.5(TSC2):c.5161-8G>A

Gene: TSC2 (TSC complex subunit 2; plus strand). Cytogenetic location: 16p13.3.
Variant type: single nucleotide variant.
Coding change: c.5161-8G>A on transcript NM_000548.5 (MANE Select); 8 bases into the intron before coding-DNA position 5161, G replaced by A.
Molecular consequence: intron variant.
Genome position (GRCh38, 1-based): chr16:2,088,219, G>A. VCF-style: chr16-2088219-G-A. GRCh37 (hg19) VCF-style: chr16-2138220-G-A.
Other names: c.5161-8G>A (NM_000548.4); c.5092-8G>A (NM_001114382.3); c.5032-8G>A (NM_021055.3); c.5032-20G>A (NM_001370405.1); c.4963-8G>A (NM_001363528.2); c.5029-8G>A (NM_001370404.1); c.4960-8G>A (NM_001077183.3); c.4852-8G>A (NM_001318827.2); and 3 more.
Identifiers: ClinVar variation 378794 (VCV000378794.21), dbSNP rs374674097, ClinGen allele CA054288.